The following is an entry in ClinVar:

ClinVar aggregate classification (germline): Uncertain significance (1 of 4 stars; one submission).

Conditions:
Developmental and epileptic encephalopathy, 9 (DEE9). Also called: JUBERG-HELLMAN SYNDROME; PCDH19-Related X-Linked Female-Limited Epilepsy with Mental Retardation; Early infantile epileptic encephalopathy 9; EPILEPSY, FEMALE-RESTRICTED, WITH MENTAL RETARDATION. Identifiers: Orphanet 101039, Orphanet 2076, MedGen C1848137, MONDO:0010246, OMIM 300088. Disease mechanism: loss of function.

Allele frequency attached by ClinVar (database versions not stated): TOPMed 0.00001.

Submission:

Labcorp Genetics (formerly Invitae), Labcorp
Classification: Uncertain significance for Developmental and epileptic encephalopathy, 9. Last evaluated: 2022-10-17. Review status: criteria provided, single submitter. Criteria: Invitae Variant Classification Sherloc (09022015). Collection method: clinical testing. Allele origin: germline.
Comment: In summary, the available evidence is currently insufficient to determine the role of this variant in disease. Therefore, it has been classified as a Variant of Uncertain Significance. Advanced modeling of protein sequence and biophysical properties (such as structural, functional, and spatial information, amino acid conservation, physicochemical variation, residue mobility, and thermodynamic stability) performed at Invitae indicates that this missense variant is not expected to disrupt PCDH19 protein function. This variant has not been reported in the literature in individuals affected with PCDH19-related conditions. This variant is present in population databases (rs750599959, gnomAD 0.005%). This sequence change replaces glycine, which is neutral and non-polar, with arginine, which is basic and polar, at codon 631 of the PCDH19 protein (p.Gly631Arg).

NM_001184880.2(PCDH19):c.1891G>C (p.Gly631Arg)

Gene: PCDH19 (protocadherin 19; minus strand). Cytogenetic location: Xq22.1.
Variant type: single nucleotide variant.
Coding change: c.1891G>C on transcript NM_001184880.2 (MANE Select); coding-DNA position 1891, G replaced by C.
Protein change: p.Gly631Arg; replaces glycine 631 with arginine.
Molecular consequence: missense variant.
Genome position (GRCh38, 1-based): chrX:100,406,707, C>G on the plus strand (G>C on the coding strand, the complement: PCDH19 is on the minus strand). VCF-style: chrX-100406707-C-G. GRCh37 (hg19) VCF-style: chrX-99661705-C-G.
Other names: c.1891G>C, p.Gly631Arg (NM_001105243.2, NM_020766.3); short protein forms G631R.
Identifiers: ClinVar variation 2086100 (VCV002086100.4), dbSNP rs750599959, ClinGen allele CA10468835.